The following is an entry in ClinVar:

ClinVar aggregate classification (germline): Uncertain significance (1 of 4 stars; one submission).

Conditions:
Inborn genetic diseases. Identifiers: MedGen C0950123, MeSH D030342.

gnomAD v4.1: 24 of 1,613,684 alleles (0.0015%); highest among the groups gnomAD compares: South Asian, 0.0022%; no homozygotes.

Submission:

Ambry Genetics
Classification: Uncertain significance for Inborn genetic diseases. Last evaluated: 2025-05-29. Review status: criteria provided, single submitter. Criteria: Ambry Variant Classification Scheme 2023. Collection method: clinical testing. Allele origin: germline.
Comment: The p.V1052M variant (also known as c.3154G>A), located in coding exon 14 of the MECOM gene, results from a G to A substitution at nucleotide position 3154. The valine at codon 1052 is replaced by methionine, an amino acid with highly similar properties. This amino acid position is conserved. In addition, this alteration is predicted to be tolerated by in silico analysis. Based on the available evidence, the clinical significance of this variant remains unclear.

NM_004991.4(MECOM):c.3154G>A (p.Val1052Met)

Gene: MECOM (MDS1 and EVI1 complex locus; minus strand). Cytogenetic location: 3q26.2.
Variant type: single nucleotide variant.
Coding change: c.3154G>A on transcript NM_004991.4 (MANE Select); coding-DNA position 3154, G replaced by A.
Protein change: p.Val1052Met; replaces valine 1052 with methionine.
Molecular consequence: missense variant.
Genome position (GRCh38, 1-based): chr3:169,092,968, C>T on the plus strand (G>A on the coding strand, the complement: MECOM is on the minus strand). VCF-style: chr3-169092968-C-T. GRCh37 (hg19) VCF-style: chr3-168810756-C-T.
Other names: c.2785G>A, p.Val929Met (NM_001105077.4); c.2590G>A, p.Val864Met (NM_001105078.4, NM_001205194.2, NM_001366469.2 and 1 more transcripts); c.2566G>A, p.Val856Met (NM_001163999.2, NM_001366470.2); c.2563G>A, p.Val855Met (NM_001164000.2, NM_001366471.2, NM_001366472.2); c.3127G>A, p.Val1043Met (NM_001366466.2); c.2593G>A, p.Val865Met (NM_001366467.2, NM_001366468.2); c.2155G>A, p.Val719Met (NM_001366473.2); c.1591G>A, p.Val531Met (NM_001366474.2); short protein forms V1052M, V865M, V531M, V855M, V929M, V1043M, V856M, V864M.
Identifiers: ClinVar variation 4053298 (VCV004053298.1).